The following is an entry in ClinVar:

NM_022051.3(EGLN1):c.277C>T (p.Pro93Ser)

Gene: EGLN1 (egl-9 family hypoxia inducible factor 1; minus strand). Cytogenetic location: 1q42.2.
Variant type: single nucleotide variant.
Coding change: c.277C>T on transcript NM_022051.3 (MANE Select); coding-DNA position 277, C replaced by T.
Protein change: p.Pro93Ser; replaces proline 93 with serine.
Molecular consequence: missense variant.
Genome position (GRCh38, 1-based): chr1:231,421,612, G>A on the plus strand (C>T on the coding strand, the complement: EGLN1 is on the minus strand). VCF-style: chr1-231421612-G-A. GRCh37 (hg19) VCF-style: chr1-231557358-G-A.
Other names: c.277C>T, p.Pro93Ser (NM_001377260.1, NM_001377261.1); short protein forms P93S.
Identifiers: ClinVar variation 1795903 (VCV001795903.6), dbSNP rs1656615094, ClinGen allele CA345238068.
Genomic context (GRCh38, chr1:231,421,612, plus strand): 5'-TTACTTTTCCCTTGGCCGCGTCCCCGGAGGCGTTGTCCCGGCGCGCCGCTGCCTTCCTGG[G>A]CTCCCGGGCCCCGGCCCTGGGCGGCGGCACTGCAGCCGGCGGCGCGGGGCCGGAATGCTG-3'
Protein context (NP_071334.1, residues 83-103): VPPPRAGARE[Pro93Ser]RKAAARRDNA

ClinVar aggregate classification (germline): Uncertain significance. Review status: criteria provided, multiple submitters, no conflicts (2 of 4 stars). 2 submissions from 2 submitters: Uncertain significance (2). Last evaluated 2024-09-23.

Conditions:
Erythrocytosis, familial, 3 (ECYT3). Identifiers: Orphanet 247511, MedGen C1853286, MONDO:0012353, OMIM 609820.

Allele frequency attached by ClinVar (database versions not stated): TOPMed below 0.00001.

Submissions (2):

Ambry Genetics
Classification: Uncertain significance. Last evaluated: 2024-09-23. Review status: criteria provided, single submitter. Criteria: Ambry Variant Classification Scheme 2023. Collection method: clinical testing. Allele origin: germline.
Comment: The p.P93S variant (also known as c.277C>T), located in coding exon 1 of the EGLN1 gene, results from a C to T substitution at nucleotide position 277. The proline at codon 93 is replaced by serine, an amino acid with similar properties. This amino acid position is conserved. In addition, this alteration is predicted to be tolerated by in silico analysis. Since supporting evidence is limited at this time, the clinical significance of this alteration remains unclear.

Labcorp Genetics (formerly Invitae), Labcorp
Classification: Uncertain significance for Erythrocytosis, familial, 3. Last evaluated: 2023-06-09. Review status: criteria provided, single submitter. Criteria: Invitae Variant Classification Sherloc (09022015). Collection method: clinical testing. Allele origin: germline.
Comment: In summary, the available evidence is currently insufficient to determine the role of this variant in disease. Therefore, it has been classified as a Variant of Uncertain Significance. An algorithm developed to predict the effect of missense changes on protein structure and function (PolyPhen-2) suggests that this variant is likely to be disruptive. ClinVar contains an entry for this variant (Variation ID: 1795903). This variant has not been reported in the literature in individuals affected with EGLN1-related conditions. This variant is not present in population databases (gnomAD no frequency). This sequence change replaces proline, which is neutral and non-polar, with serine, which is neutral and polar, at codon 93 of the EGLN1 protein (p.Pro93Ser).